The following is an entry in ClinVar:

NM_015154.3(MESD):c.484C>T (p.Arg162Cys)

Gene: MESD (mesoderm development LRP chaperone; minus strand). Cytogenetic location: 15q25.1.
Variant type: single nucleotide variant.
Coding change: c.484C>T on transcript NM_015154.3 (MANE Select); coding-DNA position 484, C replaced by T.
Protein change: p.Arg162Cys; replaces arginine 162 with cysteine.
Molecular consequence: missense variant. On other transcripts: non-coding transcript variant (1).
Genome position (GRCh38, 1-based): chr15:80,979,440, G>A on the plus strand (C>T on the coding strand, the complement: MESD is on the minus strand). VCF-style: chr15-80979440-G-A. GRCh37 (hg19) VCF-style: chr15-81271781-G-A.
Other names: c.484C>T (NM_015154.1); short protein forms R162C.
Identifiers: ClinVar variation 1961126 (VCV001961126.3), dbSNP rs762303952, ClinGen allele CA7693896.

ClinVar aggregate classification (germline): Uncertain significance. Review status: criteria provided, multiple submitters, no conflicts (2 of 4 stars). 2 submissions from 2 submitters: Uncertain significance (2). Last evaluated 2024-04-23.

Allele frequency attached by ClinVar (database versions not stated): ExAC 0.00002; gnomAD 0.00003; gnomAD exomes 0.00003; TOPMed 0.00005.
gnomAD v4.1: 49 of 1,614,084 alleles (0.003%); highest among the groups gnomAD compares: Middle Eastern, 0.016%; no homozygotes.

Submissions (2):

Ambry Genetics
Classification: Uncertain significance. Last evaluated: 2024-04-23. Review status: criteria provided, single submitter. Criteria: Ambry Variant Classification Scheme 2023. Collection method: clinical testing. Allele origin: germline.

Labcorp Genetics (formerly Invitae), Labcorp
Classification: Uncertain significance. Last evaluated: 2022-08-03. Review status: criteria provided, single submitter. Criteria: Invitae Variant Classification Sherloc (09022015). Collection method: clinical testing. Allele origin: germline.
Comment: This sequence change replaces arginine, which is basic and polar, with cysteine, which is neutral and slightly polar, at codon 162 of the MESDC2 protein (p.Arg162Cys). This variant is present in population databases (rs762303952, gnomAD 0.007%). This variant has not been reported in the literature in individuals affected with MESDC2-related conditions. Algorithms developed to predict the effect of missense changes on protein structure and function (SIFT, PolyPhen-2, Align-GVGD) all suggest that this variant is likely to be disruptive. In summary, the available evidence is currently insufficient to determine the role of this variant in disease. Therefore, it has been classified as a Variant of Uncertain Significance.